The following is an entry in ClinVar:

NM_006393.3(NEBL):c.1756A>G (p.Thr586Ala)

Gene: NEBL (nebulette; minus strand). Cytogenetic location: 10p12.31.
Variant type: single nucleotide variant.
Coding change: c.1756A>G on transcript NM_006393.3 (MANE Select); coding-DNA position 1756, A replaced by G.
Protein change: p.Thr586Ala; replaces threonine 586 with alanine.
Molecular consequence: missense variant. On other transcripts: intron variant (9).
Genome position (GRCh38, 1-based): chr10:20,828,550, T>C on the plus strand (A>G on the coding strand, the complement: NEBL is on the minus strand). VCF-style: chr10-20828550-T-C. GRCh37 (hg19) VCF-style: chr10-21117479-T-C.
Other names: c.250-15610A>G (NM_001377326.1, NM_001377327.1, NM_001377328.1); c.358-15610A>G (NM_213569.2, NM_001173484.2, NM_001377322.1); c.301-15610A>G (NM_001377324.1); c.292-15610A>G (NM_001377325.1); c.310-15610A>G (NM_001377323.1); short protein forms T586A.
Identifiers: ClinVar variation 2056688 (VCV002056688.4), dbSNP rs1840103333, ClinGen allele CA376096486.
Genomic context (GRCh38, chr10:20,828,550, plus strand): 5'-ATTTCAAGGTGGCAACTTAAAAGAAGTAATGGCTACTCACCGCACTAATGTTTTGTTGAG[T>C]TGTCTTAATTCTCTGAATTTCAGGAGTATCTGCTATGGTAGAATAGTTAGAAAGCATCTT-3'
Protein context (NP_006384.1, residues 576-596): DTPEIQRIKT[Thr586Ala]QQNISAVFYK

ClinVar aggregate classification (germline): Uncertain significance (1 of 4 stars; one submission).

Conditions:
Primary dilated cardiomyopathy (DCM). Also called: Dilated Cardiomyopathy. Identifiers: Orphanet 217604, MedGen C0007193, MeSH D002311, MONDO:0005021, HP:0001644. Inheritance: Various modes of inheritance.

Submission:

Labcorp Genetics (formerly Invitae), Labcorp
Classification: Uncertain significance for Primary dilated cardiomyopathy. Last evaluated: 2021-12-24. Review status: criteria provided, single submitter. Criteria: Invitae Variant Classification Sherloc (09022015). Collection method: clinical testing. Allele origin: germline.
Comment: This variant is not present in population databases (gnomAD no frequency). This sequence change replaces threonine, which is neutral and polar, with alanine, which is neutral and non-polar, at codon 586 of the NEBL protein (p.Thr586Ala). This variant has not been reported in the literature in individuals affected with NEBL-related conditions. Algorithms developed to predict the effect of missense changes on protein structure and function output the following: SIFT: "Tolerated"; PolyPhen-2: "Benign"; Align-GVGD: "Class C0". The alanine amino acid residue is found in multiple mammalian species, which suggests that this missense change does not adversely affect protein function. In summary, the available evidence is currently insufficient to determine the role of this variant in disease. Therefore, it has been classified as a Variant of Uncertain Significance.